The following is an entry in ClinVar:

ClinVar aggregate classification (germline): Pathogenic (1 of 4 stars; one submission).

Submission:

GeneDx
Classification: Pathogenic. Last evaluated: 2020-08-04. Review status: criteria provided, single submitter. Criteria: GeneDx Variant Classification Process June 2021. Collection method: clinical testing. Allele origin: germline. Affected: yes.
Comment: Nonsense variant predicted to result in protein truncation or nonsense mediated decay in a gene for which loss-of-function is a known mechanism of disease; Not observed in large population cohorts (Lek et al., 2016); Has not been previously published as pathogenic or benign to our knowledge

NM_001080517.3(SETD5):c.1540A>T (p.Lys514Ter)

Gene: SETD5 (SET domain containing 5; plus strand). Cytogenetic location: 3p25.3.
Variant type: single nucleotide variant.
Coding change: c.1540A>T on transcript NM_001080517.3 (MANE Select); coding-DNA position 1540, A replaced by T.
Protein change: p.Lys514Ter; replaces lysine 514 with a stop codon.
Molecular consequence: nonsense.
Genome position (GRCh38, 1-based): chr3:9,447,065, A>T. VCF-style: chr3-9447065-A-T. GRCh37 (hg19) VCF-style: chr3-9488749-A-T.
Other names: c.1246A>T, p.Lys416Ter (NM_001292043.2, NM_001349451.2); short protein forms K514*, K416*.
Identifiers: ClinVar variation 489325 (VCV000489325.3), dbSNP rs1553625037, ClinGen allele CA351695316.